The following is an entry in ClinVar:

NM_005228.5(EGFR):c.3475C>T (p.Gln1159Ter)

Gene: EGFR (epidermal growth factor receptor; plus strand). Cytogenetic location: 7p11.2.
Variant type: single nucleotide variant.
Coding change: c.3475C>T on transcript NM_005228.5 (MANE Select); coding-DNA position 3475, C replaced by T.
Protein change: p.Gln1159Ter; replaces glutamine 1159 with a stop codon.
Molecular consequence: nonsense.
Genome position (GRCh38, 1-based): chr7:55,205,459, C>T. VCF-style: chr7-55205459-C-T. GRCh37 (hg19) VCF-style: chr7-55273152-C-T.
Other names: c.3340C>T, p.Gln1114Ter (NM_001346899.2); c.3316C>T, p.Gln1106Ter (NM_001346900.2); c.2674C>T, p.Gln892Ter (NM_001346941.2); short protein forms Q1114*, Q1159*, Q892*, Q1106*.
Identifiers: ClinVar variation 2871380 (VCV002871380.3), dbSNP rs1433524783, ClinGen allele CA367584699.
Genomic context (GRCh38, chr7:55,205,459, plus strand): 5'-CTCAACACTGTCCAGCCCACCTGTGTCAACAGCACATTCGACAGCCCTGCCCACTGGGCC[C>T]AGAAAGGCAGCCACCAAATTAGCCTGGACAACCCTGACTACCAGCAGGACTTCTTTCCCA-3'

ClinVar aggregate classification (germline): Uncertain significance (1 of 4 stars; one submission).

Conditions:
EGFR-related lung cancer (EGFR). Identifiers: MedGen CN130014.

Allele frequency attached by ClinVar (database versions not stated): TOPMed below 0.00001.

Submission:

Labcorp Genetics (formerly Invitae), Labcorp
Classification: Uncertain significance for EGFR-related lung cancer. Last evaluated: 2023-11-01. Review status: criteria provided, single submitter. Criteria: Invitae Variant Classification Sherloc (09022015). Collection method: clinical testing. Allele origin: germline.
Comment: This sequence change creates a premature translational stop signal (p.Gln1159*) in the EGFR gene. While this is not anticipated to result in nonsense mediated decay, it is expected to disrupt the last 52 amino acid(s) of the EGFR protein. This variant is not present in population databases (gnomAD no frequency). This variant has not been reported in the literature in individuals affected with EGFR-related conditions. Experimental studies and prediction algorithms are not available or were not evaluated, and the functional significance of this variant is currently unknown. In summary, the available evidence is currently insufficient to determine the role of this variant in disease. Therefore, it has been classified as a Variant of Uncertain Significance.